The following is an entry in ClinVar:

NM_006231.4(POLE):c.131T>C (p.Met44Thr)

Gene: POLE (DNA polymerase epsilon, catalytic subunit; minus strand). Cytogenetic location: 12q24.33.
Variant type: single nucleotide variant.
Coding change: c.131T>C on transcript NM_006231.4 (MANE Select); coding-DNA position 131, T replaced by C.
Protein change: p.Met44Thr; replaces methionine 44 with threonine.
Molecular consequence: missense variant.
Genome position (GRCh38, 1-based): chr12:132,681,211, A>G on the plus strand (T>C on the coding strand, the complement: POLE is on the minus strand). VCF-style: chr12-132681211-A-G. GRCh37 (hg19) VCF-style: chr12-133257797-A-G.
Other names: short protein forms M44T.
Identifiers: ClinVar variation 4804327 (VCV004804327.1).

ClinVar aggregate classification (germline): Uncertain significance (1 of 4 stars; one submission).

Submission:

Labcorp Genetics (formerly Invitae), Labcorp
Classification: Uncertain significance. Last evaluated: 2025-07-19. Review status: criteria provided, single submitter. Criteria: Invitae Variant Classification Sherloc (09022015). Collection method: clinical testing. Allele origin: germline.
Comment: This sequence change replaces methionine, which is neutral and non-polar, with threonine, which is neutral and polar, at codon 44 of the POLE protein (p.Met44Thr). This variant is not present in population databases (gnomAD no frequency). This variant has not been reported in the literature in individuals affected with POLE-related conditions. Invitae Evidence Modeling of protein sequence and biophysical properties (such as structural, functional, and spatial information, amino acid conservation, physicochemical variation, residue mobility, and thermodynamic stability) indicates that this missense variant is not expected to disrupt POLE protein function with a negative predictive value of 80%. In summary, the available evidence is currently insufficient to determine the role of this variant in disease. Therefore, it has been classified as a Variant of Uncertain Significance.